The following is an entry in ClinVar:

NM_000038.6(APC):c.5120C>T (p.Ser1707Phe)

Gene: APC (APC regulator of Wnt signaling pathway; plus strand). Cytogenetic location: 5q22.2.
Variant type: single nucleotide variant.
Coding change: c.5120C>T on transcript NM_000038.6 (MANE Select); coding-DNA position 5120, C replaced by T.
Protein change: p.Ser1707Phe; replaces serine 1707 with phenylalanine.
Molecular consequence: missense variant.
Genome position (GRCh38, 1-based): chr5:112,840,714, C>T. VCF-style: chr5-112840714-C-T. GRCh37 (hg19) VCF-style: chr5-112176411-C-T.
Other names: c.5120C>T, p.Ser1707Phe (NM_001127510.3, NM_001354895.2); c.5066C>T, p.Ser1689Phe (NM_001127511.3); c.5174C>T, p.Ser1725Phe (NM_001354896.2); c.5150C>T, p.Ser1717Phe (NM_001354897.2); c.5045C>T, p.Ser1682Phe (NM_001354898.2); c.5036C>T, p.Ser1679Phe (NM_001354899.2); c.4997C>T, p.Ser1666Phe (NM_001354900.2); c.4943C>T, p.Ser1648Phe (NM_001354901.2); and 5 more; short protein forms S1424F, S1547F, S1616F, S1679F, S1707F, S1717F, S1581F, S1606F.
Identifiers: ClinVar variation 825464 (VCV000825464.12), dbSNP rs1580656459, ClinGen allele CA16032523.

ClinVar aggregate classification (germline): Uncertain significance. Review status: criteria provided, multiple submitters, no conflicts (2 of 4 stars). 3 submissions from 3 submitters: Uncertain significance (3). Last evaluated 2024-09-30.

Conditions:
Hereditary cancer-predisposing syndrome. Also called: Neoplastic Syndromes, Hereditary; Tumor predisposition; Hereditary neoplastic syndrome; Hereditary Cancer Syndrome. Identifiers: Orphanet 140162, MedGen C0027672, MeSH D009386, MONDO:0015356.
Classic or attenuated familial adenomatous polyposis. Identifiers: MedGen CN372698, MONDO:0021057.
Familial adenomatous polyposis 1 (FAP1). Also called: POLYPOSIS, ADENOMATOUS INTESTINAL; FAMILIAL ADENOMATOUS POLYPOSIS 1, ATTENUATED. Identifiers: MedGen C2713442, MONDO:0021056, OMIM 175100. Disease mechanism: loss of function.

Submissions (3):

Ambry Genetics
Classification: Uncertain significance for Hereditary cancer-predisposing syndrome. Last evaluated: 2024-09-30. Review status: criteria provided, single submitter. Criteria: Ambry Variant Classification Scheme 2023. Collection method: clinical testing. Allele origin: germline.
Comment: The p.S1707F variant (also known as c.5120C>T), located in coding exon 15 of the APC gene, results from a C to T substitution at nucleotide position 5120. The serine at codon 1707 is replaced by phenylalanine, an amino acid with highly dissimilar properties. This amino acid position is not well conserved in available vertebrate species. Missense alterations in APC are not a common cause of disease (Spier I et al. Genet Med. 2024 Feb;26(2):100992). In addition, in silico predictors for this gene do not accurately predict pathogenicity. Since supporting evidence is limited at this time, the clinical significance of this alteration remains unclear.

All of Us Research Program, National Institutes of Health
Classification: Uncertain significance for Classic or attenuated familial adenomatous polyposis. Last evaluated: 2023-02-15. Review status: criteria provided, single submitter. Criteria: ACMG Guidelines, 2015. Collection method: clinical testing. Allele origin: germline. Inheritance: Autosomal dominant inheritance. Observed: 1 variant allele, 1 heterozygote.
Comment: This missense variant replaces serine with phenylalanine at codon 1707 of the APC protein. Computational prediction suggests that this variant may not impact protein structure and function (internally defined REVEL score threshold <= 0.5, PMID: 27666373). To our knowledge, functional studies have not been reported for this variant. This variant has not been reported in individuals affected with hereditary cancer in the literature. This variant has not been identified in the general population by the Genome Aggregation Database (gnomAD). The available evidence is insufficient to determine the role of this variant in disease conclusively. Therefore, this variant is classified as a Variant of Uncertain Significance.

This study involves interpretation of variants in research participants for the purpose of population health screening. Participant phenotype was not available at the time of variant classification. Additional details can be found in publication PMID: 35346344, PMCID: PMC8962531

Labcorp Genetics (formerly Invitae), Labcorp
Classification: Uncertain significance for Familial adenomatous polyposis 1. Last evaluated: 2021-08-31. Review status: criteria provided, single submitter. Criteria: Invitae Variant Classification Sherloc (09022015). Collection method: clinical testing. Allele origin: germline.
Comment: This sequence change replaces serine with phenylalanine at codon 1707 of the APC protein (p.Ser1707Phe). The serine residue is moderately conserved and there is a large physicochemical difference between serine and phenylalanine. This variant is not present in population databases (ExAC no frequency). This variant has not been reported in the literature in individuals affected with APC-related conditions. ClinVar contains an entry for this variant (Variation ID: 825464). Algorithms developed to predict the effect of missense changes on protein structure and function are either unavailable or do not agree on the potential impact of this missense change (SIFT: "Deleterious"; PolyPhen-2: "Benign"; Align-GVGD: "Class C0"). In summary, the available evidence is currently insufficient to determine the role of this variant in disease. Therefore, it has been classified as a Variant of Uncertain Significance.